The following is an entry in ClinVar:

NM_013275.6(ANKRD11):c.5632T>C (p.Ser1878Pro)

Genes: ANKRD11 (ankyrin repeat domain 11; minus strand), TRAPPC2L (trafficking protein particle complex subunit 2L; plus strand). Cytogenetic location: 16q24.3.
Variant type: single nucleotide variant.
Coding change: c.5632T>C on transcript NM_013275.6 (MANE Select); coding-DNA position 5632, T replaced by C.
Protein change: p.Ser1878Pro; replaces serine 1878 with proline.
Molecular consequence: missense variant.
Genome position (GRCh38, 1-based): chr16:89,280,910, A>G on the plus strand (T>C on the coding strand, the complement: ANKRD11 is on the minus strand). VCF-style: chr16-89280910-A-G. GRCh37 (hg19) VCF-style: chr16-89347318-A-G.
Other names: c.5632T>C, p.Ser1878Pro (NM_001256182.2, NM_001256183.2); short protein forms S1878P.
Identifiers: ClinVar variation 588478 (VCV000588478.47), dbSNP rs143743958, ClinGen allele CA8241768.
Genomic context (GRCh38, chr16:89,280,910, plus strand): 5'-GCTCGGCTCTGGGGGAAGGGGAAGGTTTTGCTTGTAAACTTGAGAAGACGCCCTCTGGAG[A>G]CGGGGTGACAGTGACAACGGCAGCCGGTGGGCAGTGCAAAGCGTCGACTTTGGGCGACGG-3'
Protein context (NP_037407.4, residues 1868-1888): PPAAVVTVTP[Ser1878Pro]PEGVFSSLQA

ClinVar aggregate classification (germline): Benign/Likely benign. Review status: criteria provided, multiple submitters, no conflicts (2 of 4 stars). 13 submissions from 13 submitters: Benign (3); Likely benign (7). 3 of the submissions do not count toward it. Last evaluated 2026-06-01.

Conditions:
Inborn genetic diseases. Identifiers: MedGen C0950123, MeSH D030342.
Encephalopathy, progressive, early-onset, with episodic rhabdomyolysis. Identifiers: MedGen C5193033, MONDO:0032681, OMIM 618331.
Intellectual disability. Also called: Intellectual functioning disability; intellectual disabilities; Intellectual developmental disorder. Identifiers: MedGen C3714756, MeSH D008607, MONDO:0001071, HP:0001249.
ANKRD11-related disorder. Also called: ANKRD11-related condition.
KBG syndrome (KBGS). Also called: ANKRD11-Related KBG Syndrome. Identifiers: Orphanet 2332, MedGen C0220687, MONDO:0007846, OMIM 148050.

Allele frequency attached by ClinVar (database versions not stated): TOPMed 0.00034; ESP Exome Variant Server 0.00038; gnomAD 0.00046 and 0.00049; gnomAD exomes 0.00053 and 0.00060; ExAC 0.00058.
gnomAD v4.1: 940 of 1,600,028 alleles (0.059%); highest among the groups gnomAD compares: South Asian, 0.17%; 2 homozygotes.

Submissions (13):

CeGaT Center for Human Genetics Tuebingen
Classification: Likely benign. Last evaluated: 2026-06-01. Review status: criteria provided, single submitter. Criteria: CeGaT Center For Human Genetics Tuebingen Variant Classification Criteria Version 2. Collection method: clinical testing. Allele origin: germline. Affected: yes. Observed: 4 variant alleles.
Comment: ANKRD11: BP4, BS1

Women's Health and Genetics/Laboratory Corporation of America, LabCorp
Classification: Likely benign. Last evaluated: 2026-05-11. Review status: criteria provided, single submitter. Criteria: LabCorp Variant Classification Summary - May 2015. Collection method: clinical testing. Allele origin: germline.

Labcorp Genetics (formerly Invitae), Labcorp
Classification: Likely benign for KBG syndrome. Last evaluated: 2025-12-19. Review status: criteria provided, single submitter. Criteria: Invitae Variant Classification Sherloc (09022015). Collection method: clinical testing. Allele origin: germline.

Laboratory of Genetics, Children's Clinical University Hospital Latvia
Classification: Likely benign. Last evaluated: 2025-02-16. Review status: criteria provided, single submitter. Criteria: ACMG Guidelines, 2015. Collection method: clinical testing. Allele origin: germline. Affected: yes.

Blueprint Genetics
Classification: Likely benign. Last evaluated: 2024-11-25. Review status: criteria provided, single submitter. Criteria: ACMG Guidelines, 2015. Collection method: clinical testing. Allele origin: germline.

Genome-Nilou Lab
Classification: Benign for KBG syndrome. Last evaluated: 2021-12-05. Review status: criteria provided, single submitter. Criteria: ACMG Guidelines, 2015. Collection method: clinical testing. Allele origin: germline. Affected: no.

Cambridge Genomics Laboratory, East Genomic Laboratory Hub, NHS Genomic Medicine Service
Classification: Benign for Intellectual disability. Last evaluated: 2020-01-10. Review status: criteria provided, single submitter. Criteria: ACGS Best Practice Guidelines for Variant Classification in Rare Disease 2020. Collection method: clinical testing. Allele origin: germline. Affected: yes. Observed: 1 variant allele.

Mendelics
Classification: Likely benign for Encephalopathy, progressive, early-onset, with episodic rhabdomyolysis. Last evaluated: 2019-05-28. Review status: criteria provided, single submitter. Criteria: Mendelics Assertion Criteria 2017. Collection method: clinical testing. Allele origin: unknown.

GeneDx
Classification: Benign. Last evaluated: 2019-03-25. Review status: criteria provided, single submitter. Criteria: GeneDx Variant Classification Process June 2021. Collection method: clinical testing. Allele origin: germline. Affected: yes.

Ambry Genetics
Classification: Likely benign for Inborn genetic diseases. Last evaluated: 2016-07-27. Review status: criteria provided, single submitter. Criteria: Ambry Variant Classification Scheme 2023. Collection method: clinical testing. Allele origin: germline.

PreventionGenetics, part of Exact Sciences
Classification: Likely benign for ANKRD11-related condition. Last evaluated: 2023-12-31. Review status: no assertion criteria provided. Collection method: clinical testing. Allele origin: germline. Not counted in ClinVar's aggregate classification.
Comment: This variant is classified as likely benign based on ACMG/AMP sequence variant interpretation guidelines (Richards et al. 2015 PMID: 25741868, with internal and published modifications).

Clinical Genetics DNA and cytogenetics Diagnostics Lab, Erasmus MC, Erasmus Medical Center
Classification: Likely benign. Review status: no assertion criteria provided. Collection method: clinical testing. Allele origin: germline. Affected: yes. Study: VKGL Data-share Consensus. Not counted in ClinVar's aggregate classification.

Laboratory of Diagnostic Genome Analysis, Leiden University Medical Center (LUMC)
Classification: Likely benign. Review status: no assertion criteria provided. Collection method: clinical testing. Allele origin: germline. Affected: yes. Study: VKGL Data-share Consensus. Not counted in ClinVar's aggregate classification.